The following is an entry in ClinVar:

ClinVar aggregate classification (germline): Uncertain significance (1 of 4 stars; one submission).

Conditions:
Alstrom syndrome (ALMS). Identifiers: Orphanet 64, MedGen C0268425, MONDO:0008763, OMIM 203800.

Submission:

Labcorp Genetics (formerly Invitae), Labcorp
Classification: Uncertain significance for Alstrom syndrome. Last evaluated: 2022-08-21. Review status: criteria provided, single submitter. Criteria: Invitae Variant Classification Sherloc (09022015). Collection method: clinical testing. Allele origin: germline.
Comment: In summary, the available evidence is currently insufficient to determine the role of this variant in disease. Therefore, it has been classified as a Variant of Uncertain Significance. Experimental studies and prediction algorithms are not available or were not evaluated, and the functional significance of this variant is currently unknown. This variant has not been reported in the literature in individuals affected with ALMS1-related conditions. This variant is not present in population databases (gnomAD no frequency). This sequence change replaces proline, which is neutral and non-polar, with serine, which is neutral and polar, at codon 1057 of the ALMS1 protein (p.Pro1057Ser).

NM_001378454.1(ALMS1):c.3166C>T (p.Pro1056Ser)

Gene: ALMS1 (ALMS1 centrosome and basal body associated protein; plus strand). Cytogenetic location: 2p13.1.
Variant type: single nucleotide variant.
Coding change: c.3166C>T on transcript NM_001378454.1 (MANE Select); coding-DNA position 3166, C replaced by T.
Protein change: p.Pro1056Ser; replaces proline 1056 with serine.
Molecular consequence: missense variant.
Genome position (GRCh38, 1-based): chr2:73,449,693, C>T. VCF-style: chr2-73449693-C-T. GRCh37 (hg19) VCF-style: chr2-73676820-C-T.
Other names: c.3169C>T, p.Pro1057Ser (NM_015120.4); short protein forms P1056S, P1057S.
Identifiers: ClinVar variation 1717364 (VCV001717364.5), dbSNP rs2466097136, ClinGen allele CA347274064.